The following is an entry in ClinVar:

ClinVar aggregate classification (germline): Uncertain significance. Review status: criteria provided, multiple submitters, no conflicts (2 of 4 stars). 4 submissions from 4 submitters: Uncertain significance (4). Last evaluated 2025-12-15.

Conditions:
Hypertrophic cardiomyopathy 1 (CMH1). Also called: Familial hypertrophic cardiomyopathy 1; MYH7-Related Familial Hypertrophic Cardiomyopathy. Identifiers: MedGen C3495498, MONDO:0008647, OMIM 192600.
Dilated cardiomyopathy 1EE (CMD1EE). Identifiers: Orphanet 154, MedGen C2750466, MONDO:0013198, OMIM 613252.
Sick sinus syndrome 3, susceptibility to (SSS3). Identifiers: Orphanet 166282, MedGen C3279791, MONDO:0013568, OMIM 614090.
Hypertrophic cardiomyopathy 14. Identifiers: MedGen C2750467, MONDO:0013197, OMIM 613251.
Atrial septal defect 3 (ASD3). Identifiers: Orphanet 1478, MedGen C3279790, MONDO:0013567, OMIM 614089.
Cardiovascular phenotype. Identifiers: MedGen CN230736.

Allele frequency attached by ClinVar (database versions not stated): ExAC 0.00001; gnomAD 0.00001; gnomAD exomes 0.00001 and 0.00004; TOPMed 0.00001.
gnomAD v4.1: 51 of 1,614,042 alleles (0.0032%); highest among the groups gnomAD compares: East Asian, 0.11%; no homozygotes.

Submissions (4):

Labcorp Genetics (formerly Invitae), Labcorp
Classification: Uncertain significance for Hypertrophic cardiomyopathy 14. Last evaluated: 2025-12-15. Review status: criteria provided, single submitter. Criteria: Invitae Variant Classification Sherloc (09022015). Collection method: clinical testing. Allele origin: germline.
Comment: This sequence change replaces arginine, which is basic and polar, with cysteine, which is neutral and slightly polar, at codon 1691 of the MYH6 protein (p.Arg1691Cys). This variant is present in population databases (rs745747137, gnomAD 0.02%). This missense change has been observed in individual(s) with congenital heart disease and/or hypertrophic cardiomyopathy (PMID: 29907873, 32492895, 35993536). ClinVar contains an entry for this variant (Variation ID: 1026007). Invitae Evidence Modeling of protein sequence and biophysical properties (such as structural, functional, and spatial information, amino acid conservation, physicochemical variation, residue mobility, and thermodynamic stability) indicates that this missense variant is expected to disrupt MYH6 protein function with a positive predictive value of 80%. In summary, the available evidence is currently insufficient to determine the role of this variant in disease. Therefore, it has been classified as a Variant of Uncertain Significance.

Ambry Genetics
Classification: Uncertain significance for Cardiovascular phenotype. Last evaluated: 2024-01-02. Review status: criteria provided, single submitter. Criteria: Ambry Variant Classification Scheme 2023. Collection method: clinical testing. Allele origin: germline.
Comment: The p.R1691C variant (also known as c.5071C>T), located in coding exon 32 of the MYH6 gene, results from a C to T substitution at nucleotide position 5071. The arginine at codon 1691 is replaced by cysteine, an amino acid with highly dissimilar properties. This alteration has been reported in a pediatric cardiomyopathy cohort and a hypertrophic cardiomyopathy cohort (Hayashi T et al. J Hum Genet, 2018 Sep;63:989-996; Kim HY et al. J Clin Med, 2020 Jun;9:). This amino acid position is highly conserved in available vertebrate species. In addition, the in silico prediction for this alteration is inconclusive. Since supporting evidence is limited at this time, the clinical significance of this alteration remains unclear.

3billion
Classification: Uncertain significance for Hypertrophic cardiomyopathy 14. Last evaluated: 2023-09-18. Review status: criteria provided, single submitter. Criteria: ACMG Guidelines, 2015. Collection method: clinical testing. Allele origin: germline. Affected: yes.
Comment: The variant is observed at an extremely low frequency in the gnomAD v2.1.1 dataset (total allele frequency: 0.001%). Predicted Consequence/Location: Missense variant In silico tool predictions suggest damaging effect of the variant on gene or gene product [REVEL: 0.77 (>=0.6, sensitivity 0.68 and specificity 0.92)]. Same nucleotide change resulting in same amino acid change has been previously reported to be associated with MYH6-related disorder (PMID: 29907873). However, the evidence of pathogenicity is insufficient at this time. Therefore, this variant is classified as VUS according to the recommendation of ACMG/AMP guideline.

Fulgent Genetics
Classification: Uncertain significance for Hypertrophic cardiomyopathy 1; Hypertrophic cardiomyopathy 14; Dilated cardiomyopathy 1EE; Atrial septal defect 3; Sick sinus syndrome 3, susceptibility to. Last evaluated: 2021-07-26. Review status: criteria provided, single submitter. Criteria: ACMG Guidelines, 2015. Collection method: clinical testing. Allele origin: unknown.

Literature cited by the submitters: PubMed 29907873 (cited by 3 submitters); PubMed 32492895 (cited by Labcorp Genetics (formerly Invitae), Labcorp and Ambry Genetics); PubMed 35993536 (cited by Labcorp Genetics (formerly Invitae), Labcorp).

NM_002471.4(MYH6):c.5071C>T (p.Arg1691Cys)

Genes: MYH6 (myosin heavy chain 6; minus strand), LOC126861896 (BRD4-independent group 4 enhancer GRCh37_chr14:23854904-23856103; plus strand). Cytogenetic location: 14q11.2.
Variant type: single nucleotide variant.
Coding change: c.5071C>T on transcript NM_002471.4 (MANE Select); coding-DNA position 5071, C replaced by T.
Protein change: p.Arg1691Cys; replaces arginine 1691 with cysteine.
Molecular consequence: missense variant.
Genome position (GRCh38, 1-based): chr14:23,386,020, G>A on the plus strand (C>T on the coding strand, the complement: MYH6 is on the minus strand). VCF-style: chr14-23386020-G-A. GRCh37 (hg19) VCF-style: chr14-23855229-G-A.
Other names: c.5071C>T (NM_002471.3); short protein forms R1691C.
Identifiers: ClinVar variation 1026007 (VCV001026007.12), dbSNP rs745747137, ClinGen allele CA7114556.